The following is an entry in ClinVar:

ClinVar aggregate classification (germline): Uncertain significance. Review status: criteria provided, multiple submitters, no conflicts (2 of 4 stars). 2 submissions from 2 submitters: Uncertain significance (2). Last evaluated 2025-03-01.

Allele frequency attached by ClinVar (database versions not stated): ExAC 0.00002; gnomAD exomes 0.00002.
gnomAD v4.1: 33 of 1,613,914 alleles (0.002%); highest among the groups gnomAD compares: Non-Finnish European, 0.0024%; no homozygotes.

Submissions (2):

Labcorp Genetics (formerly Invitae), Labcorp
Classification: Uncertain significance. Last evaluated: 2025-03-01. Review status: criteria provided, single submitter. Criteria: Invitae Variant Classification Sherloc (09022015). Collection method: clinical testing. Allele origin: germline.
Comment: This sequence change replaces threonine, which is neutral and polar, with methionine, which is neutral and non-polar, at codon 912 of the KMT2E protein (p.Thr912Met). This variant is present in population databases (rs758870362, gnomAD 0.01%). This variant has not been reported in the literature in individuals affected with KMT2E-related conditions. ClinVar contains an entry for this variant (Variation ID: 1708309). Invitae Evidence Modeling of protein sequence and biophysical properties (such as structural, functional, and spatial information, amino acid conservation, physicochemical variation, residue mobility, and thermodynamic stability) has been performed for this missense variant. However, the output from this modeling did not meet the statistical confidence thresholds required to predict the impact of this variant on KMT2E protein function. In summary, the available evidence is currently insufficient to determine the role of this variant in disease. Therefore, it has been classified as a Variant of Uncertain Significance.

Centre of Medical Genetics, University Hospital Muenster
Classification: Uncertain significance. Last evaluated: 2021-12-16. Review status: criteria provided, single submitter. Criteria: ACMG Guidelines, 2015. Collection method: clinical testing. Allele origin: unknown. Affected: yes. Observed: 1 variant allele, 1 heterozygote.
Comment: ACMG categories: PM2,PP3,BP1

NM_182931.3(KMT2E):c.2735C>T (p.Thr912Met)

Gene: KMT2E (lysine methyltransferase 2E (inactive); plus strand). Cytogenetic location: 7q22.3.
Variant type: single nucleotide variant.
Coding change: c.2735C>T on transcript NM_182931.3 (MANE Select); coding-DNA position 2735, C replaced by T.
Protein change: p.Thr912Met; replaces threonine 912 with methionine.
Molecular consequence: missense variant.
Genome position (GRCh38, 1-based): chr7:105,106,660, C>T. VCF-style: chr7-105106660-C-T. GRCh37 (hg19) VCF-style: chr7-104747107-C-T.
Other names: c.2735C>T, p.Thr912Met (NM_001410908.1, NM_018682.4); short protein forms T912M.
Identifiers: ClinVar variation 1708309 (VCV001708309.4), dbSNP rs758870362, ClinGen allele CA4424299.